The following is an entry in ClinVar:

ClinVar aggregate classification (germline): Pathogenic/Likely pathogenic. Review status: criteria provided, multiple submitters, no conflicts (2 of 4 stars). 5 submissions from 5 submitters: Pathogenic (3); Likely pathogenic (2). Last evaluated 2025-09-23.

Conditions:
Aicardi Goutieres syndrome (AGS). Also called: Encephalopathy, familial infantile, with calcification of basal ganglia and chronic cerebrospinal fluid lymphocytosis. Identifiers: Orphanet 51, MedGen C0393591, MONDO:0018866.
Aicardi-Goutieres syndrome 5. Identifiers: Orphanet 51, MedGen C2749659, MONDO:0013059, OMIM 612952.
Chilblain lupus 2 (CHBL2). Identifiers: MedGen C3280721, MONDO:0013739, OMIM 614415.

Allele frequency attached by ClinVar (database versions not stated): gnomAD exomes 0.00001; TOPMed 0.00001.
gnomAD v4.1: 12 of 1,613,290 alleles (0.00074%); highest among the groups gnomAD compares: South Asian, 0.0011%; no homozygotes.

Submissions (5):

Natera, Inc.
Classification: Likely pathogenic for Aicardi-Goutieres syndrome. Last evaluated: 2025-09-23. Review status: criteria provided, single submitter. Criteria: Natera Variant Classification Schema (03/2026). Collection method: clinical testing. Allele origin: germline.
Comment: The c.658C>T variant in SAMHD1 is a nonsense variant predicted to introduce a stop codon at amino acid 220. This variant is expected to result in nonsense mediated decay, truncation, or a dysfunctional protein product. This variant is rare in the general population with a frequency below the threshold expected for the associated phenotype(s). Given the available evidence, this variant is classified as Likely Pathogenic.

Women's Health and Genetics/Laboratory Corporation of America, LabCorp
Classification: Pathogenic for Aicardi-Goutieres syndrome 5. Last evaluated: 2025-05-15. Review status: criteria provided, single submitter. Criteria: LabCorp Variant Classification Summary - May 2015. Collection method: clinical testing. Allele origin: germline.
Comment: Variant summary: SAMHD1 c.658C>T (p.Arg220X) results in a premature termination codon, predicted to cause a truncation of the encoded protein or absence of the protein due to nonsense mediated decay, which are commonly known mechanisms for disease. The variant allele was found at a frequency of 1.2e-05 in 251462 control chromosomes. To our knowledge, no occurrence of c.658C>T in individuals affected with Aicardi-Goutieres syndrome 5 and no experimental evidence demonstrating its impact on protein function have been reported. ClinVar contains an entry for this variant (Variation ID: 659536). Based on the evidence outlined above, the variant was classified as pathogenic.

Labcorp Genetics (formerly Invitae), Labcorp
Classification: Pathogenic for Aicardi-Goutieres syndrome 5. Last evaluated: 2025-02-24. Review status: criteria provided, single submitter. Criteria: Invitae Variant Classification Sherloc (09022015). Collection method: clinical testing. Allele origin: germline.
Comment: This sequence change creates a premature translational stop signal (p.Arg220*) in the SAMHD1 gene. It is expected to result in an absent or disrupted protein product. Loss-of-function variants in SAMHD1 are known to be pathogenic (PMID: 19525956, 22461318). This variant is present in population databases (no rsID available, gnomAD 0.002%). This variant has not been reported in the literature in individuals affected with SAMHD1-related conditions. ClinVar contains an entry for this variant (Variation ID: 659536). For these reasons, this variant has been classified as Pathogenic.

Fulgent Genetics
Classification: Likely pathogenic for Aicardi-Goutieres syndrome 5; Chilblain lupus 2. Last evaluated: 2022-04-14. Review status: criteria provided, single submitter. Criteria: ACMG Guidelines, 2015. Collection method: clinical testing. Allele origin: unknown.

Baylor Genetics
Classification: Pathogenic for Aicardi-Goutieres syndrome 5. Last evaluated: 2019-08-08. Review status: criteria provided, single submitter. Criteria: ACMG Guidelines, 2015. Collection method: clinical testing. Allele origin: unknown. Affected: yes.
Comment: This variant was determined to be pathogenic according to ACMG Guidelines, 2015 [PMID:25741868].

Literature cited by the submitters: PubMed 19525956 (cited by Labcorp Genetics (formerly Invitae), Labcorp); PubMed 22461318 (cited by Labcorp Genetics (formerly Invitae), Labcorp).

NM_015474.4(SAMHD1):c.658C>T (p.Arg220Ter)

Gene: SAMHD1 (SAM and HD domain containing deoxynucleoside triphosphate triphosphohydrolase 1; minus strand). Cytogenetic location: 20q11.23.
Variant type: single nucleotide variant.
Coding change: c.658C>T on transcript NM_015474.4 (MANE Select); coding-DNA position 658, C replaced by T.
Protein change: p.Arg220Ter; replaces arginine 220 with a stop codon.
Molecular consequence: nonsense.
Genome position (GRCh38, 1-based): chr20:36,927,220, G>A on the plus strand (C>T on the coding strand, the complement: SAMHD1 is on the minus strand). VCF-style: chr20-36927220-G-A. GRCh37 (hg19) VCF-style: chr20-35555623-G-A.
Other names: c.658C>T, p.Arg220Ter (NM_001363729.2, NM_001363733.2); short protein forms R220*.
Identifiers: ClinVar variation 659536 (VCV000659536.12), dbSNP rs1335417539, ClinGen allele CA408821585.